The following is an entry in ClinVar:

NM_001999.4(FBN2):c.169G>T (p.Gly57Trp)

Gene: FBN2 (fibrillin 2; minus strand). Cytogenetic location: 5q23.3.
Variant type: single nucleotide variant.
Coding change: c.169G>T on transcript NM_001999.4 (MANE Select); coding-DNA position 169, G replaced by T.
Protein change: p.Gly57Trp; replaces glycine 57 with tryptophan.
Molecular consequence: missense variant.
Genome position (GRCh38, 1-based): chr5:128,537,435, C>A on the plus strand (G>T on the coding strand, the complement: FBN2 is on the minus strand). VCF-style: chr5-128537435-C-A. GRCh37 (hg19) VCF-style: chr5-127873128-C-A.
Other names: short protein forms G57W.
Identifiers: ClinVar variation 1373042 (VCV001373042.8), dbSNP rs2112810796, ClinGen allele CA360762347.
Genomic context (GRCh38, chr5:128,537,435, plus strand): 5'-GCCGGCGGACGCGGCTGGCCACTGCGGCACCCTCCTCGCGATACTCGGGCGCTAGAAACC[C>A]GCCTTCAGAGCCTGCTGTAGCGGACCGAACCTGTTGCGGCGGCGGCTGGGGCCGGGGCGG-3'
Protein context (NP_001990.2, residues 47-67): VRSATAGSEG[Gly57Trp]FLAPEYREEG

ClinVar aggregate classification (germline): Uncertain significance (1 of 4 stars; one submission).

Conditions:
Congenital contractural arachnodactyly (CCA). Also called: Beals-Hecht syndrome; BEALS SYNDROME; Arthrogryposis, distal, type 9. Identifiers: Orphanet 115, MedGen C0220668, MONDO:0007363, OMIM 121050.

Submission:

Labcorp Genetics (formerly Invitae), Labcorp
Classification: Uncertain significance for Congenital contractural arachnodactyly. Last evaluated: 2020-12-15. Review status: criteria provided, single submitter. Criteria: Invitae Variant Classification Sherloc (09022015). Collection method: clinical testing. Allele origin: germline.
Comment: In summary, the available evidence is currently insufficient to determine the role of this variant in disease. Therefore, it has been classified as a Variant of Uncertain Significance. Advanced modeling of protein sequence and biophysical properties (such as structural, functional, and spatial information, amino acid conservation, physicochemical variation, residue mobility, and thermodynamic stability) performed at Invitae indicates that this missense variant is not expected to disrupt FBN2 protein function. This variant has not been reported in the literature in individuals with FBN2-related conditions. This variant is not present in population databases (ExAC no frequency). This sequence change replaces glycine with tryptophan at codon 57 of the FBN2 protein (p.Gly57Trp). The glycine residue is highly conserved and there is a large physicochemical difference between glycine and tryptophan.